The following is an entry in ClinVar:

ClinVar aggregate classification (germline): Benign/Likely benign. Review status: criteria provided, multiple submitters, no conflicts (2 of 4 stars). 2 submissions from 2 submitters: Benign (1); Likely benign (1). Last evaluated 2024-09-25.

Conditions:
Melanoma, cutaneous malignant, susceptibility to, 3. Also called: Cutaneous malignant melanoma 3. Identifiers: Orphanet 618, MedGen C1836892, MONDO:0012183, OMIM 609048.
Hereditary cancer-predisposing syndrome. Also called: Neoplastic Syndromes, Hereditary; Tumor predisposition; Hereditary Cancer Syndrome; Hereditary neoplastic syndrome. Identifiers: Orphanet 140162, MedGen C0027672, MeSH D009386, MONDO:0015356.

Allele frequency attached by ClinVar (database versions not stated): gnomAD exomes 0.00002.
gnomAD v4.1: 14 of 1,614,184 alleles (0.00087%); highest among the groups gnomAD compares: Non-Finnish European, 0.0012%; no homozygotes.

Submissions (2):

Myriad Genetics, Inc.
Classification: Benign for Melanoma, cutaneous malignant, susceptibility to, 3. Last evaluated: 2024-09-25. Review status: criteria provided, single submitter. Criteria: Myriad Autosomal Dominant, Autosomal Recessive and X-Linked Classification Criteria (2023). Collection method: clinical testing. Allele origin: unknown.
Comment: This variant is considered benign. This variant is a silent/synonymous amino acid change and it is not expected to impact splicing.

Ambry Genetics
Classification: Likely benign for Hereditary cancer-predisposing syndrome. Last evaluated: 2016-09-12. Review status: criteria provided, single submitter. Criteria: Ambry Variant Classification Scheme 2023. Collection method: clinical testing. Allele origin: germline.

NM_000075.4(CDK4):c.334T>C (p.Leu112=)

Gene: CDK4 (cyclin dependent kinase 4; minus strand). Cytogenetic location: 12q14.1.
Variant type: single nucleotide variant.
Coding change: c.334T>C on transcript NM_000075.4 (MANE Select); coding-DNA position 334, T replaced by C.
Protein change: p.Leu112=; no amino-acid change (leucine 112 retained).
Molecular consequence: synonymous variant.
Genome position (GRCh38, 1-based): chr12:57,751,227, A>G on the plus strand (T>C on the coding strand, the complement: CDK4 is on the minus strand). VCF-style: chr12-57751227-A-G. GRCh37 (hg19) VCF-style: chr12-58145010-A-G.
Identifiers: ClinVar variation 483304 (VCV000483304.6), dbSNP rs1555201318, ClinGen allele CA480404570.